The following is an entry in ClinVar:

NM_015352.2(POFUT1):c.1036C>T (p.Gln346Ter)

Gene: POFUT1 (protein O-fucosyltransferase 1; plus strand). Cytogenetic location: 20q11.21.
Variant type: single nucleotide variant.
Coding change: c.1036C>T on transcript NM_015352.2 (MANE Select); coding-DNA position 1036, C replaced by T.
Protein change: p.Gln346Ter; replaces glutamine 346 with a stop codon.
Molecular consequence: nonsense.
Genome position (GRCh38, 1-based): chr20:32,234,530, C>T. VCF-style: chr20-32234530-C-T. GRCh37 (hg19) VCF-style: chr20-30822333-C-T.
Other names: short protein forms Q346*.
Identifiers: ClinVar variation 3421838 (VCV003421838.1).

ClinVar aggregate classification (germline): Uncertain significance (1 of 4 stars; one submission).

Conditions:
Inborn genetic diseases. Identifiers: MedGen C0950123, MeSH D030342.

gnomAD v4.1: 3 of 1,613,976 alleles (0.00019%); highest among the groups gnomAD compares: African/African-American, 0.0013%; no homozygotes.

Submission:

Ambry Genetics
Classification: Uncertain significance for Inborn genetic diseases. Last evaluated: 2024-09-27. Review status: criteria provided, single submitter. Criteria: Ambry Variant Classification Scheme 2023. Collection method: clinical testing. Allele origin: germline.
Comment: The c.1036C>T (p.Q346*) alteration, located in exon 7 (coding exon 7) of the POFUT1 gene, consists of a C to T substitution at nucleotide position 1036. This changes the amino acid from a glutamine (Q) to a stop codon at amino acid position 346. This alteration occurs at the 3' terminus of the POFUT1 gene, is not expected to trigger nonsense-mediated mRNA decay, and impacts the last 11.1% of the protein. The exact functional effect of this alteration is unknown. Based on data from gnomAD, the T allele has an overall frequency of 0.003% (1/31406) total alleles studied. The highest observed frequency was 0.012% (1/8716) of African alleles. Based on insufficient or conflicting evidence, the clinical significance of this alteration remains unclear.